The following is an entry in ClinVar:

NM_000026.4(ADSL):c.453T>G (p.Ser151Arg)

Gene: ADSL (adenylosuccinate lyase; plus strand). Cytogenetic location: 22q13.1.
Variant type: single nucleotide variant.
Coding change: c.453T>G on transcript NM_000026.4 (MANE Select); coding-DNA position 453, T replaced by G.
Protein change: p.Ser151Arg; replaces serine 151 with arginine.
Molecular consequence: missense variant. On other transcripts: non-coding transcript variant (1).
Genome position (GRCh38, 1-based): chr22:40,354,298, T>G. VCF-style: chr22-40354298-T-G. GRCh37 (hg19) VCF-style: chr22-40750302-T-G.
Other names: c.453T>G, p.Ser151Arg (NM_001123378.3, NM_001363840.3, NM_001410812.1 and 1 more transcripts); c.261T>G, p.Ser87Arg (NM_001317923.2); c.408T>G, p.Ser136Arg (NM_001410814.1); short protein forms S136R, S151R, S87R.
Identifiers: ClinVar variation 3907844 (VCV003907844.2).
Genomic context (GRCh38, chr22:40,354,298, plus strand): 5'-TTTCTTGTAGCTTGCCAGAGTGATCTCTCGGCTTGCCGACTTTGCTAAGGAACGAGCCAG[T>G]CTACCCACATTAGGTTTCACACATTTCCAGTAAGTGATAAGATTACTTCTTGTTTATGTG-3'
Protein context (NP_000017.1, residues 141-161): RLADFAKERA[Ser151Arg]LPTLGFTHFQ

ClinVar aggregate classification (germline): Likely pathogenic (1 of 4 stars; one submission).

Submission:

GeneDx
Classification: Likely pathogenic. Last evaluated: 2026-05-14. Review status: criteria provided, single submitter. Criteria: GeneDx Variant Classification Process June 2021. Collection method: clinical testing. Allele origin: germline.
Comment: Not observed at significant frequency in large population cohorts (gnomAD); In silico analysis suggests that this missense variant does not alter protein structure/function; Has not been previously published as pathogenic or benign to our knowledge